The following is an entry in ClinVar:

NM_001009944.3(PKD1):c.231C>A (p.Asn77Lys)

Gene: PKD1 (polycystin 1, transient receptor potential channel interacting; minus strand). Cytogenetic location: 16p13.3.
Variant type: single nucleotide variant.
Coding change: c.231C>A on transcript NM_001009944.3 (MANE Select); coding-DNA position 231, C replaced by A.
Protein change: p.Asn77Lys; replaces asparagine 77 with lysine.
Molecular consequence: missense variant.
Genome position (GRCh38, 1-based): chr16:2,119,363, G>T on the plus strand (C>A on the coding strand, the complement: PKD1 is on the minus strand). VCF-style: chr16-2119363-G-T. GRCh37 (hg19) VCF-style: chr16-2169364-G-T.
Other names: c.231C>A, p.Asn77Lys (NM_000296.4); short protein forms N77K.
Identifiers: ClinVar variation 3383095 (VCV003383095.2).
Genomic context (GRCh38, chr16:2,119,363, plus strand): 5'-TCACAGCTCTGCCAGCGCCGAGAGGTTCGCCAGGAGCCCAACGTCCAGCGCCCGGAGCAG[G>T]TTGTGGGAGACGTCTCTGAGGAGTGAGTGGCCGTGGGTCAGGGCCAGAGCCCCTAGTAGG-3'
Protein context (NP_001009944.3, residues 67-87): ADATALDVSH[Asn77Lys]LLRALDVGLL

ClinVar aggregate classification (germline): Uncertain significance (1 of 4 stars; one submission).

Conditions:
Polycystic kidney disease, adult type (PKD1). Also called: POLYCYSTIC KIDNEY DISEASE, ADULT, TYPE I; Polycystic Kidney Disease 1, Autosomal Dominant; Polycystic kidney disease 1; Polycystic kidney disease 1, severe; Polycystic Kidney, Autosomal Dominant; POLYCYSTIC KIDNEY DISEASE 1 WITH OR WITHOUT POLYCYSTIC LIVER DISEASE. Identifiers: MedGen C3149841, MONDO:0008263, OMIM 173900.

Submission:

Juno Genomics, Hangzhou Juno Genomics, Inc
Classification: Uncertain significance for Polycystic kidney disease, adult type. Review status: criteria provided, single submitter. Criteria: ACMG Guidelines, 2015. Collection method: clinical testing. Allele origin: germline. Affected: yes.
Comment: Absent from controls (or at extremely low frequency if recessive) in Genome Aggregation Database, Exome Sequencing Project, 1000 Genomes Project, or Exome Aggregation Consortium.